The following is an entry in ClinVar:

NM_145868.2(ANXA11):c.796A>G (p.Ile266Val)

Gene: ANXA11 (annexin A11; minus strand). Cytogenetic location: 10q22.3.
Variant type: single nucleotide variant.
Coding change: c.796A>G on transcript NM_145868.2 (MANE Select); coding-DNA position 796, A replaced by G.
Protein change: p.Ile266Val; replaces isoleucine 266 with valine.
Molecular consequence: missense variant.
Genome position (GRCh38, 1-based): chr10:80,166,146, T>C on the plus strand (A>G on the coding strand, the complement: ANXA11 is on the minus strand). VCF-style: chr10-80166146-T-C. GRCh37 (hg19) VCF-style: chr10-81925902-T-C.
Other names: c.796A>G, p.Ile266Val (NM_001157.3, NM_001278407.2, NM_001278408.2 and 1 more transcripts); c.697A>G, p.Ile233Val (NM_001278409.2); short protein forms I266V, I233V.
Identifiers: ClinVar variation 3678967 (VCV003678967.2).

ClinVar aggregate classification (germline): Uncertain significance (1 of 4 stars; one submission).

gnomAD v4.1: 23 of 1,613,620 alleles (0.0014%); highest among the groups gnomAD compares: Non-Finnish European, 0.0018%; no homozygotes.

Submission:

Labcorp Genetics (formerly Invitae), Labcorp
Classification: Uncertain significance. Last evaluated: 2024-04-25. Review status: criteria provided, single submitter. Criteria: Invitae Variant Classification Sherloc (09022015). Collection method: clinical testing. Allele origin: germline.
Comment: This sequence change replaces isoleucine, which is neutral and non-polar, with valine, which is neutral and non-polar, at codon 266 of the ANXA11 protein (p.Ile266Val). This variant is present in population databases (rs753389224, gnomAD 0.002%). This variant has not been reported in the literature in individuals affected with ANXA11-related conditions. Algorithms developed to predict the effect of missense changes on protein structure and function output the following: SIFT: "Not Available"; PolyPhen-2: "Benign"; Align-GVGD: "Not Available". The valine amino acid residue is found in multiple mammalian species, which suggests that this missense change does not adversely affect protein function. In summary, the available evidence is currently insufficient to determine the role of this variant in disease. Therefore, it has been classified as a Variant of Uncertain Significance.